The following is an entry in ClinVar:

ClinVar aggregate classification (germline): Conflicting classifications of pathogenicity. Review status: criteria provided, conflicting classifications (1 of 4 stars). 13 submissions from 13 submitters: Uncertain significance (5); Likely benign (5). 3 of the submissions do not count toward it. Last evaluated 2026-09-01.

Conditions:
CCDC39-related disorder. Also called: CCDC39-related condition.
Primary ciliary dyskinesia. Also called: Ciliary dyskinesia. Identifiers: Orphanet 244, MedGen C0008780, MONDO:0016575, HP:0012265.
Primary ciliary dyskinesia 14. Also called: CILIARY DYSKINESIA, PRIMARY, 14, WITH OR WITHOUT SITUS INVERSUS. Identifiers: Orphanet 244, MedGen C3151136, MONDO:0013434, OMIM 613807.

Allele frequency attached by ClinVar (database versions not stated): gnomAD exomes 0.00040 and 0.00066; ExAC 0.00048; ESP Exome Variant Server 0.00059; 1000 Genomes Project 0.00060; 1000 Genomes Project 30x 0.00078; gnomAD 0.00102 and 0.00109; TOPMed 0.00146.
gnomAD v4.1: 796 of 1,612,708 alleles (0.049%); highest among the groups gnomAD compares: Admixed American, 0.29%; 1 homozygote.

Submissions (13):

CeGaT Center for Human Genetics Tuebingen
Classification: Likely benign. Last evaluated: 2026-09-01. Review status: criteria provided, single submitter. Criteria: CeGaT Center For Human Genetics Tuebingen Variant Classification Criteria Version 2. Collection method: clinical testing. Allele origin: germline. Affected: yes. Observed: 4 variant alleles.
Comment: CCDC39: BS2

Labcorp Genetics (formerly Invitae), Labcorp
Classification: Likely benign for Primary ciliary dyskinesia. Last evaluated: 2026-02-03. Review status: criteria provided, single submitter. Criteria: Invitae Variant Classification Sherloc (09022015). Collection method: clinical testing. Allele origin: germline.

Blueprint Genetics
Classification: Likely benign. Last evaluated: 2024-09-09. Review status: criteria provided, single submitter. Criteria: ACMG Guidelines, 2015. Collection method: clinical testing. Allele origin: germline.

Genomic Medicine Center of Excellence, King Faisal Specialist Hospital and Research Centre
Classification: Uncertain significance for Primary ciliary dyskinesia 14. Last evaluated: 2024-04-04. Review status: criteria provided, single submitter. Criteria: ACMG Guidelines, 2015. Collection method: clinical testing. Allele origin: germline.

Ambry Genetics
Classification: Likely benign for Primary ciliary dyskinesia. Last evaluated: 2022-05-03. Review status: criteria provided, single submitter. Criteria: Ambry Variant Classification Scheme 2023. Collection method: clinical testing. Allele origin: germline.

New York Genome Center
Classification: Uncertain significance for Primary ciliary dyskinesia 14. Last evaluated: 2021-03-04. Review status: criteria provided, single submitter. Criteria: NYGC Assertion Criteria 2020. Collection method: clinical testing. Allele origin: inherited. Observed: 1 heterozygote. Study: CSER-NYCKidSeq.

GeneDx
Classification: Likely benign. Last evaluated: 2019-10-28. Review status: criteria provided, single submitter. Criteria: GeneDx Variant Classification Process June 2021. Collection method: clinical testing. Allele origin: germline. Affected: yes.
Comment: In silico analysis, which includes protein predictors and evolutionary conservation, supports that this variant does not alter protein structure/function; This variant is associated with the following publications: (PMID: 21131972, 22693285)

SIB Swiss Institute of Bioinformatics
Classification: Uncertain significance for Primary ciliary dyskinesia 14. Last evaluated: 2018-05-31. Review status: criteria provided, single submitter. Criteria: ACMG Guidelines, 2015. Collection method: curation. Allele origin: unknown.
Comment: This variant is interpreted as a Uncertain Significance - Insufficient Evidence, for Ciliary dyskinesia, primary, 14, in Autosomal Recessive manner. The following ACMG Tag(s) were applied: BS1 => Allele frequency is greater than expected for disorder.

Illumina Laboratory Services, Illumina
Classification: Uncertain significance for Primary ciliary dyskinesia 14. Last evaluated: 2017-08-28. Review status: criteria provided, single submitter. Criteria: ICSL Variant Classification Criteria 13 December 2019. Collection method: clinical testing. Allele origin: germline.
Comment: This variant was observed as part of a predisposition screen in an ostensibly healthy population. A literature search was performed for the gene, cDNA change, and amino acid change (where applicable). Publications were found based on this search. However, the evidence from the literature, in combination with allele frequency data from public databases where available, was not sufficient to rule this variant in or out of causing disease. Therefore, this variant is classified as a variant of unknown significance.

Laboratory for Molecular Medicine, Mass General Brigham Personalized Medicine
Classification: Uncertain significance. Last evaluated: 2016-04-14. Review status: criteria provided, single submitter. Criteria: LMM Criteria. Collection method: clinical testing. Allele origin: germline. Observed: 1 variant allele.
Comment: Variant classified as Uncertain Significance - Favor Benign. This variant has also been identified in 0.2% (18/11538) of European chromosomes by the Exome Aggregation Consortium (ExAC; dbSNP rs 140505857). Isoleucine (Ile) at position 594 is not conserved in evolution, rais ing the possibility that a change at this position may be tolerated. In summary, while the clinical significance of the p.Thr594Ile variant is uncertain, its fr equency and lack of evolutionary conservation suggests that it is more likely to be benign.

PreventionGenetics, part of Exact Sciences
Classification: Likely benign for CCDC39-related condition. Last evaluated: 2022-05-12. Review status: no assertion criteria provided. Collection method: clinical testing. Allele origin: germline. Not counted in ClinVar's aggregate classification.
Comment: This variant is classified as likely benign based on ACMG/AMP sequence variant interpretation guidelines (Richards et al. 2015 PMID: 25741868, with internal and published modifications).

Clinical Genetics DNA and cytogenetics Diagnostics Lab, Erasmus MC, Erasmus Medical Center
Classification: Likely benign. Review status: no assertion criteria provided. Collection method: clinical testing. Allele origin: germline. Affected: yes. Study: VKGL Data-share Consensus. Not counted in ClinVar's aggregate classification.

Laboratory of Diagnostic Genome Analysis, Leiden University Medical Center (LUMC)
Classification: Likely benign. Review status: no assertion criteria provided. Collection method: clinical testing. Allele origin: germline. Affected: yes. Study: VKGL Data-share Consensus. Not counted in ClinVar's aggregate classification.

Literature cited by the submitters: PubMed 21131972 (cited by 3 submitters); PubMed 31213628 (cited by Ambry Genetics); PubMed 34768622 (cited by Ambry Genetics); PubMed 22693285 (cited by Illumina Laboratory Services, Illumina).

NM_181426.2(CCDC39):c.1781C>T (p.Thr594Ile)

Gene: CCDC39 (coiled-coil domain 39 molecular ruler complex subunit; minus strand). Cytogenetic location: 3q26.33.
Variant type: single nucleotide variant.
Coding change: c.1781C>T on transcript NM_181426.2 (MANE Select); coding-DNA position 1781, C replaced by T.
Protein change: p.Thr594Ile; replaces threonine 594 with isoleucine.
Molecular consequence: missense variant.
Genome position (GRCh38, 1-based): chr3:180,642,086, G>A on the plus strand (C>T on the coding strand, the complement: CCDC39 is on the minus strand). VCF-style: chr3-180642086-G-A. GRCh37 (hg19) VCF-style: chr3-180359874-G-A.
Other names: NM_181426.1(CCDC39):c.1781C>T(p.Thr594Ile); short protein forms T594I.
Identifiers: ClinVar variation 242170 (VCV000242170.43), dbSNP rs140505857, ClinGen allele CA2715875.